The following is an entry in ClinVar:

ClinVar aggregate classification (germline): Uncertain significance (1 of 4 stars; one submission).

Conditions:
Congenital portosystemic shunt. Identifiers: Orphanet 480531, MedGen C1290495, MONDO:0018811.

Submission:

Department of Pediatrics, Graduate School of Medical Sciences, Kyushu University
Classification: Uncertain significance for Congenital portosystemic shunt. Last evaluated: 2026-02-27. Review status: criteria provided, single submitter. Criteria: ACMG Guidelines, 2015. Collection method: research. Allele origin: de novo. Affected: yes.
Comment: The variant is rare in population databases and in silico prediction tools, including CADD, suggest a potential deleterious effect on protein function. However, the association between this gene and CPSS has not been established. Therefore, the clinical significance of this variant is currently classified as a variant of uncertain significance (VUS).

NM_000106.6(CYP2D6):c.989G>A (p.Arg330His)

Gene: CYP2D6 (cytochrome P450 family 2 subfamily D member 6 (gene/pseudogene); minus strand). Cytogenetic location: 22q13.2.
Variant type: single nucleotide variant.
Coding change: c.989G>A on transcript NM_000106.6 (MANE Select); coding-DNA position 989, G replaced by A.
Protein change: p.Arg330His; replaces arginine 330 with histidine.
Molecular consequence: missense variant.
Genome position (GRCh38, 1-based): chr22:42,127,631, C>T on the plus strand (G>A on the coding strand, the complement: CYP2D6 is on the minus strand). VCF-style: chr22-42127631-C-T. GRCh37 (hg19) VCF-style: chr22-42523633-C-T.
Other names: c.836G>A, p.Arg279His (NM_001025161.3); short protein forms R279H, R330H.
Identifiers: ClinVar variation 4813089 (VCV004813089.1).
Genomic context (GRCh38, chr22:42,127,631, plus strand): 5'-TGGTCACCCATCTCTGGTCGCCGCACCTGCCCTATCACGTCGTCGATCTCCTGTTGGACA[C>T]GGCCTGGACAGACATGCGTCCCCACAATGGGTCAGCACCCAGGGGGTCCGGCCCTGACAC-3'
Protein context (NP_000097.3, residues 320-340): LMILHPDVQR[Arg330His]VQQEIDDVIG